The following is an entry in ClinVar:

NM_001040108.2(MLH3):c.1322A>G (p.Tyr441Cys)

Gene: MLH3 (mutL homolog 3; minus strand). Cytogenetic location: 14q24.3.
Variant type: single nucleotide variant.
Coding change: c.1322A>G on transcript NM_001040108.2 (MANE Select); coding-DNA position 1322, A replaced by G.
Protein change: p.Tyr441Cys; replaces tyrosine 441 with cysteine.
Molecular consequence: missense variant.
Genome position (GRCh38, 1-based): chr14:75,048,334, T>C on the plus strand (A>G on the coding strand, the complement: MLH3 is on the minus strand). VCF-style: chr14-75048334-T-C. GRCh37 (hg19) VCF-style: chr14-75515037-T-C.
Other names: c.1322A>G, p.Tyr441Cys (NM_014381.3); short protein forms Y441C.
Identifiers: ClinVar variation 1769929 (VCV001769929.3), dbSNP rs1464367083, ClinGen allele CA390446450.

ClinVar aggregate classification (germline): Uncertain significance (1 of 4 stars; one submission).

Allele frequency attached by ClinVar (database versions not stated): gnomAD exomes below 0.00001; TOPMed below 0.00001.
gnomAD v4.1: 1 of 1,614,040 alleles (0.000062%); highest among the groups gnomAD compares: Non-Finnish European, 0.000085%; no homozygotes.

Submission:

Ambry Genetics
Classification: Uncertain significance. Last evaluated: 2025-08-25. Review status: criteria provided, single submitter. Criteria: Ambry Variant Classification Scheme 2023. Collection method: clinical testing. Allele origin: germline.
Comment: The p.Y441C variant (also known as c.1322A>G), located in coding exon 1 of the MLH3 gene, results from an A to G substitution at nucleotide position 1322. The tyrosine at codon 441 is replaced by cysteine, an amino acid with highly dissimilar properties. This amino acid position is not well conserved in available vertebrate species. In addition, this alteration is predicted to be tolerated by in silico analysis. The evidence for this gene-disease relationship is limited; therefore, the clinical significance of this alteration is unclear.